The following is an entry in ClinVar:

ClinVar aggregate classification (germline): Uncertain significance. Review status: criteria provided, multiple submitters, no conflicts (2 of 4 stars). 2 submissions from 2 submitters: Uncertain significance (2). Last evaluated 2024-10-23.

Conditions:
Rhabdoid tumor predisposition syndrome 2 (RTPS2). Identifiers: Orphanet 231108, Orphanet 69077, MedGen C2750074, MONDO:0013224, OMIM 613325.
Hereditary cancer-predisposing syndrome. Also called: Hereditary Cancer Syndrome; Hereditary neoplastic syndrome; Neoplastic Syndromes, Hereditary; Tumor predisposition. Identifiers: Orphanet 140162, MedGen C0027672, MeSH D009386, MONDO:0015356.

Submissions (2):

Ambry Genetics
Classification: Uncertain significance for Hereditary cancer-predisposing syndrome. Last evaluated: 2024-10-23. Review status: criteria provided, single submitter. Criteria: Ambry Variant Classification Scheme 2023. Collection method: clinical testing. Allele origin: germline.
Comment: The c.1523_1524delATinsGC variant (also known as p.H508R), located in coding exon 8 of the SMARCA4 gene, results from an in-frame deletion of AT and insertion of GC at nucleotide positions 1523 to 1524. This results in the substitution of the histidine residue for an arginine residue at codon 508, an amino acid with highly similar properties. This amino acid position is highly conserved in available vertebrate species. In addition, this alteration is predicted to be deleterious by in silico analysis (Choi Y et al. PLoS ONE. 2012; 7(10):e46688). Since supporting evidence is limited at this time, the clinical significance of this alteration remains unclear.

Labcorp Genetics (formerly Invitae), Labcorp
Classification: Uncertain significance for Rhabdoid tumor predisposition syndrome 2. Last evaluated: 2023-08-29. Review status: criteria provided, single submitter. Criteria: Invitae Variant Classification Sherloc (09022015). Collection method: clinical testing. Allele origin: germline.
Comment: In summary, the available evidence is currently insufficient to determine the role of this variant in disease. Therefore, it has been classified as a Variant of Uncertain Significance. An algorithm developed to predict the effect of missense changes on protein structure and function (PolyPhen-2) suggests that this variant is likely to be disruptive. ClinVar contains an entry for this variant (Variation ID: 1448662). This variant has not been reported in the literature in individuals affected with SMARCA4-related conditions. Information on the frequency of this variant in the gnomAD database is not available, as this variant may be reported differently in the database. This sequence change replaces histidine, which is basic and polar, with arginine, which is basic and polar, at codon 508 of the SMARCA4 protein (p.His508Arg).

NM_003072.5(SMARCA4):c.1523_1524delinsGC (p.His508Arg)

Gene: SMARCA4 (SWI/SNF related BAF chromatin remodeling complex subunit ATPase 4; plus strand). Cytogenetic location: 19p13.2.
Variant type: Indel.
Coding change: c.1523_1524delinsGC on transcript NM_003072.5 (MANE Select); coding-DNA positions 1523 to 1524, AT replaced by GC.
Protein change: p.His508Arg; replaces histidine 508 with arginine.
Molecular consequence: missense variant. On other transcripts: non-coding transcript variant (1).
Genome position (GRCh38, 1-based): chr19:10,994,931-10,994,932, AT replaced by GC. VCF-style: chr19-10994931-AT-GC. GRCh37 (hg19) VCF-style: chr19-11105607-AT-GC.
Other names: c.1523_1524delATinsGC (NM_001128849.1); c.1523_1524delinsGC, p.His508Arg (NM_001128844.3, NM_001128845.2, NM_001128846.2 and 5 more transcripts); short protein forms H508R.
Identifiers: ClinVar variation 1448662 (VCV001448662.7), dbSNP rs2145940710, ClinGen allele CA2573155712.